The following is an entry in ClinVar:

NM_016529.6(ATP8A2):c.3272+1G>A

Gene: ATP8A2 (ATPase phospholipid transporting 8A2). Cytogenetic location: 13q12.13.
Variant type: single nucleotide variant.
Coding change: c.3272+1G>A on transcript NM_016529.6 (MANE Select); the canonical splice donor site of the intron after coding-DNA position 3272, G replaced by A.
Molecular consequence: splice donor variant.
Genome position (GRCh38, 1-based): chr13:25,961,664, G>A. VCF-style: chr13-25961664-G-A. GRCh37 (hg19) VCF-style: chr13-26535802-G-A.
Other names: c.3197+1G>A (NM_001411005.1); c.3077+1G>A (NM_001313741.1).
Identifiers: ClinVar variation 1323964 (VCV001323964.10), dbSNP rs779337270, ClinGen allele CA6923666.
Genomic context (GRCh38, chr13:25,961,664, plus strand): 5'-CTGGTTGGGATTATTTCTGGTTCCTACTGCCTGTTTGATTGAAGATGTGGCATGGAGAGC[G>A]TAAGTTTAACAGTGAAGCGGGGACCCTAAGTCTGGCTCATCTGTCCCTGGAATTGTCTTT-3'

ClinVar aggregate classification (germline): Pathogenic/Likely pathogenic. Review status: criteria provided, multiple submitters, no conflicts (2 of 4 stars). 3 submissions from 3 submitters: Pathogenic (1); Likely pathogenic (2). Last evaluated 2025-09-19.

Conditions:
Cerebellar ataxia, impaired intellectual development, and dysequilibrium syndrome 4. Also called: Cerebellar ataxia, intellectual disability, and dysequilibrium syndrome 4; CEREBELLAR ATAXIA AND MENTAL RETARDATION WITH OR WITHOUT QUADRUPEDAL LOCOMOTION 4; Cerebellar ataxia, mental retardation, and dysequilibrium syndrome 4. Identifiers: Orphanet 1766, MedGen C3808977, MONDO:0014104, OMIM 615268.

Allele frequency attached by ClinVar (database versions not stated): ExAC 0.00001; gnomAD 0.00001; gnomAD exomes 0.00001.
gnomAD v4.1: 6 of 1,610,732 alleles (0.00037%); highest among the groups gnomAD compares: Admixed American, 0.0017%; no homozygotes.

Submissions (3):

Labcorp Genetics (formerly Invitae), Labcorp
Classification: Likely pathogenic. Last evaluated: 2025-09-19. Review status: criteria provided, single submitter. Criteria: Invitae Variant Classification Sherloc (09022015). Collection method: clinical testing. Allele origin: germline.
Comment: This sequence change affects a donor splice site in intron 34 of the ATP8A2 gene. It is expected to disrupt RNA splicing. Variants that disrupt the donor or acceptor splice site typically lead to a loss of protein function (PMID: 16199547), and loss-of-function variants in ATP8A2 are known to be pathogenic (PMID: 28454995, 29531481). This variant is present in population databases (rs779337270, gnomAD 0.003%). This variant has not been reported in the literature in individuals affected with ATP8A2-related conditions. ClinVar contains an entry for this variant (Variation ID: 1323964). Algorithms developed to predict the effect of sequence changes on RNA splicing suggest that this variant may disrupt the consensus splice site. In summary, the currently available evidence indicates that the variant is pathogenic, but additional data are needed to prove that conclusively. Therefore, this variant has been classified as Likely Pathogenic.

Revvity Omics, Revvity
Classification: Likely pathogenic for Cerebellar ataxia, impaired intellectual development, and dysequilibrium syndrome 4. Last evaluated: 2021-09-21. Review status: criteria provided, single submitter. Criteria: ACMG Guidelines, 2015. Collection method: clinical testing. Allele origin: germline.

Genetics and Genomic Medicine Centre, NeuroGen Healthcare, NeuroGen Healthcare
Classification: Pathogenic for Cerebellar ataxia, impaired intellectual development, and dysequilibrium syndrome 4. Last evaluated: 2019-12-06. Review status: criteria provided, single submitter. Criteria: Submitter's publication. Collection method: clinical testing. Allele origin: unknown. Affected: no.

Literature cited by the submitters: PubMed 16199547 (cited by Labcorp Genetics (formerly Invitae), Labcorp); PubMed 28454995 (cited by Labcorp Genetics (formerly Invitae), Labcorp); PubMed 29531481 (cited by Labcorp Genetics (formerly Invitae), Labcorp).